The following is an entry in ClinVar:

ClinVar aggregate classification (germline): Pathogenic (1 of 4 stars; one submission).

Conditions:
Ehlers-Danlos syndrome, classic type, 1 (EDSCL1). Also called: EHLERS-DANLOS SYNDROME, GRAVIS TYPE; EHLERS-DANLOS SYNDROME, SEVERE CLASSIC TYPE; Ehlers-Danlos syndrome, type 1; Ehlers-Danlos Syndrome, Classic Type, COL5A1-Related; EDS I. Identifiers: MedGen C0268335, MONDO:0019567, OMIM 130000.

Submission:

Labcorp Genetics (formerly Invitae), Labcorp
Classification: Pathogenic for Ehlers-Danlos syndrome, classic type, 1. Last evaluated: 2022-10-27. Review status: criteria provided, single submitter. Criteria: Invitae Variant Classification Sherloc (09022015). Collection method: clinical testing. Allele origin: unknown.
Comment: For these reasons, this variant has been classified as Pathogenic. This variant has not been reported in the literature in individuals affected with COL5A1-related conditions. This variant is a gross deletion of the genomic region encompassing exon(s) 1 of the COL5A1 gene, which includes the initiator codon. This deletion extends beyond the assayed region for this gene and therefore may encompass additional genes. It is expected to result in an absent or disrupted protein product. Loss-of-function variants in COL5A1 are known to be pathogenic (PMID: 23587214).

Literature cited by the submitters: PubMed 23587214.

NC_000009.11:g.(?_137534034)_(137534162_?)del

Gene: COL5A1 (collagen type V alpha 1 chain; plus strand). Cytogenetic location: 9q34.3.
Variant type: Deletion.
Identifiers: ClinVar variation 3245108 (VCV003245108.1).